The following is an entry in ClinVar:

NM_000169.3(GLA):c.870G>C (p.Met290Ile)

Genes: GLA (galactosidase alpha; minus strand), RPL36A-HNRNPH2 (RPL36A-HNRNPH2 readthrough; plus strand). Cytogenetic location: Xq22.1.
Variant type: single nucleotide variant.
Coding change: c.870G>C on transcript NM_000169.3 (MANE Select); coding-DNA position 870, G replaced by C.
Protein change: p.Met290Ile; replaces methionine 290 with isoleucine.
Molecular consequence: missense variant. On other transcripts: non-coding transcript variant (3), intron variant (2).
Genome position (GRCh38, 1-based): chrX:101,398,499, C>G on the plus strand (G>C on the coding strand, the complement: GLA is on the minus strand). VCF-style: chrX-101398499-C-G. GRCh37 (hg19) VCF-style: chrX-100653487-C-G.
Other names: c.993G>C, p.Met331Ile (NM_001406747.1); c.870G>C, p.Met290Ile (NM_001406748.1); c.300+3042C>G (NM_001199973.2); c.177+6677C>G (NM_001199974.2); short protein forms M290I, M331I.
Identifiers: ClinVar variation 222436 (VCV000222436.25), dbSNP rs869312438, ClinGen allele CA352994.
Genomic context (GRCh38, chrX:101,398,499, plus strand): 5'-GAGAGCTTTGGCTTGAGGGCTGATGTGTCGGAGGTCATTAGACATGAATAAAGGAGCAGC[C>G]ATGATAGCCCAGAGGGCCATCTGAGTTACTTGCTGATTCCAGCTGAGGCCAAAGTTGCCA-3'
Protein context (NP_000160.1, residues 280-300): QVTQMALWAI[Met290Ile]AAPLFMSNDL

ClinVar aggregate classification (germline): Conflicting classifications of pathogenicity. Review status: criteria provided, conflicting classifications (1 of 4 stars). 9 submissions from 9 submitters: Pathogenic (4); Likely pathogenic (4); Uncertain significance (1). Last evaluated 2026-09-08.

Conditions:
Fabry disease. Also called: GLA DEFICIENCY; HEREDITARY DYSTOPIC LIPIDOSIS; Fabry's disease; Angiokeratoma corporis diffusum; Ceramide trihexosidosis; ALPHA-GALACTOSIDASE A DEFICIENCY. Identifiers: Orphanet 324, MedGen C0002986, MONDO:0010526, OMIM 301500, HP:0001071. Disease mechanism: loss of function, Fabry disease is due to inactivating mutations in the X-linked GLA gene resulting in deficiency of the enzyme Alpha Galactosidase-A..

Allele frequency attached by ClinVar (database versions not stated): gnomAD 0.00001; gnomAD exomes 0.00001; TOPMed 0.00003.
gnomAD v4.1: 2 of 1,205,730 alleles (0.00017%); highest among the groups gnomAD compares: Admixed American, 0.0022%; no homozygotes.

Submissions (9):

Genomenon, Inc
Classification: Likely pathogenic for Fabry disease. Last evaluated: 2026-09-08. Review status: criteria provided, single submitter. Criteria: Genomenon Sequence Variant Interpretation Standards - Updated. Collection method: curation. Allele origin: germline. Affected: yes.
Comment: GLA p.Met290Ile (c.870G>C) is a missense variant that changes the amino acid at codon 290 from Methionine to Isoleucine. This variant has been observed in at least one proband with clinical features consistent with Fabry disease (PMID:33807900;30644091;28728877;32531501;33907643;33527381). Functional or patient cell studies have been reported (PMID:33907643;33527381;32531501;27657681;30644091;31519519). The presence of pathogenic/likely pathogenic missense variant(s) at the same amino acid position indicates that this residue is likely important for protein function. It is absent or not present at a significant frequency in gnomAD. In silico models predict that this variant is possibly or probably damaging. In conclusion, we classify GLA p.Met290Ile (c.870G>C) as a likely pathogenic variant.

Genetics Laboratory, Great Ormond Street Hospital NHS Foundation Trust, North Thames Genomic Laboratory Hub
Classification: Pathogenic for Fabry disease. Last evaluated: 2026-04-08. Review status: criteria provided, single submitter. Criteria: ACGS Best Practice Guidelines for Variant Classification in Rare Disease 2024 v1.2. Collection method: clinical testing. Allele origin: germline. Affected: yes.
Comment: PM2_moderate, PP3_supporting, PS1_strong, PM5_moderate, PP4_strong

Labcorp Genetics (formerly Invitae), Labcorp
Classification: Pathogenic for Fabry disease. Last evaluated: 2025-03-31. Review status: criteria provided, single submitter. Criteria: Invitae Variant Classification Sherloc (09022015). Collection method: clinical testing. Allele origin: germline.
Comment: This sequence change replaces methionine, which is neutral and non-polar, with isoleucine, which is neutral and non-polar, at codon 290 of the GLA protein (p.Met290Ile). This variant is present in population databases (no rsID available, gnomAD no frequency). This missense change has been observed in individual(s) with Fabry disease (PMID: 16595074, 28646478, 31996269, 33527381, 33907643). ClinVar contains an entry for this variant (Variation ID: 222436). Invitae Evidence Modeling of protein sequence and biophysical properties (such as structural, functional, and spatial information, amino acid conservation, physicochemical variation, residue mobility, and thermodynamic stability) has been performed for this missense variant. However, the output from this modeling did not meet the statistical confidence thresholds required to predict the impact of this variant on GLA protein function. Experimental studies have shown that this missense change affects GLA function (PMID: 22773828). This variant disrupts the p.Met290 amino acid residue in GLA. Other variant(s) that disrupt this residue have been determined to be pathogenic (PMID: 21517827, 23935525). This suggests that this residue is clinically significant, and that variants that disrupt this residue are likely to be disease-causing. For these reasons, this variant has been classified as Pathogenic.

Dasa
Classification: Pathogenic. Last evaluated: 2025-02-04. Review status: criteria provided, single submitter. Criteria: DASA Assertion Criteria. Collection method: clinical testing. Allele origin: germline.
Comment: NM_000169.3(GLA):c.870G>C (p.Met290Ile) is a missense variant that results in the substitution of methionine with isoleucine. This variant results in the same amino acid change as a previously established pathogenic variant. Segregation evidence has been reported in affected families. Functional evidence supports a deleterious effect on the gene or gene product (PMID: 33907643; PMID: 16595074; PMID: 28646478; PMID: 31996269). This variant has been recurrently observed in individuals with related phenotype (PMID: 33907643; PMID: 16595074; PMID: 28646478; PMID: 31996269). Multiple computational predictions support a deleterious effect on the gene or gene product. The variant is present at low frequency in population datasets. Based on the available data, this variant is classified as pathogenic.

GeneDx
Classification: Uncertain significance. Last evaluated: 2024-11-14. Review status: criteria provided, single submitter. Criteria: GeneDx Variant Classification Process June 2021. Collection method: clinical testing. Allele origin: germline. Affected: yes.
Comment: Reported as heterozygous in an individual with late-onset Fabry disease and also present in the asymptomatic sisters (PMID: 32531501); Reported as heterozygous in individuals with late-onset Fabry disease with normal or slightly reduced alpha galactosidase A activity and normal LysoGb3 levels (PMID: 27773586, 33527381); Not observed at significant frequency in large population cohorts (gnomAD); In silico analysis supports that this missense variant does not alter protein structure/function; This variant is associated with the following publications: (PMID: 28728877, 36564230, 36624527, 31996269, 37441486, 31519519, 27657681, 32890272, 27773586, 32531501, 33527381, 33907643)

Revvity Omics, Revvity
Classification: Likely pathogenic. Last evaluated: 2021-12-21. Review status: criteria provided, single submitter. Criteria: ACMG Guidelines, 2015. Collection method: clinical testing. Allele origin: germline.

Genome-Nilou Lab
Classification: Likely pathogenic for Fabry disease. Last evaluated: 2021-07-15. Review status: criteria provided, single submitter. Criteria: ACMG Guidelines, 2015. Collection method: clinical testing. Allele origin: germline. Affected: no.

Women's Health and Genetics/Laboratory Corporation of America, LabCorp
Classification: Likely pathogenic for Fabry disease. Last evaluated: 2021-07-02. Review status: criteria provided, single submitter. Criteria: LabCorp Variant Classification Summary - May 2015. Collection method: clinical testing. Allele origin: germline.
Comment: Variant summary: GLA c.870G>C (p.Met290Ile) results in a conservative amino acid change in the encoded protein sequence. Four of five in-silico tools predict a damaging effect of the variant on protein function. The variant allele was found at a frequency of 5.5e-06 in 183451 control chromosomes (gnomAD). However, none of these studies report X-inactivation studies performed on female patients. Several publications report conflicting experimental evidence evaluating an impact on protein function. Enzymatic activity of Alpha Galactosidase A was found to be reduced at between 10-30% of normal activity in patient derived leukocytes while the activity levels in patient derived plasma were within the reportable normal range (Azevedo_2020). In addition, in an in vitro functional assay another nucleotide change (c.870G>A) with the same codon and amino acid effect (p.Met290Ile) was found to have approximately 40% of enzymatic activity compared to wild-type (Lukas_2013) while another assay expressing the variant in HEK-cells reported activity levels at 68% of normal (Nowak_2019). One of these studies reports the minimal alpha-Gal activity required to avoid Fabry disease as being between 30-35% of the mean control (Nowak_2019), although they express ambiguity on the extent the alpha-Gal activity in HEK 293 cells correlates with in-vivo activities in affected males with Fabry disease. A different nucleotide change resulting in the same protein effect, namely, GLA c.870G>A (p.M290I) has been reported as likely pathogenic in ClinVar and also seen in patients with Fabry Disease in the HGMD database. In addition, several other variants affecting the same codon and nearby codons (example: p.M290L, p.M290V, p.I289V, p.A291T) have been reported in HGMD and ClinVar suggesting this domain might be clinically significant. One ClinVar submitter (evaluation after 2014) cite the variant as pathogenic. Based on the evidence outlined above, due to a paucity of evidence supporting a penetrant pathogenic outcome in affected males, and conflicting functional evidence, the variant was classified as likely pathogenic.

Eurofins Ntd Llc (ga)
Classification: Pathogenic. Last evaluated: 2018-05-15. Review status: criteria provided, single submitter. Criteria: EGL ClinVar v180209 classification definitions. Collection method: clinical testing. Allele origin: germline. Observed: 5 variant alleles, 4 heterozygotes, 1 hemizygote.

Literature cited by the submitters: PubMed 33807900 (cited by Genomenon, Inc); PubMed 30644091 (cited by Genomenon, Inc); PubMed 28728877 (cited by Genomenon, Inc); PubMed 32531501 (cited by Genomenon, Inc and Women's Health and Genetics/Laboratory Corporation of America, LabCorp); PubMed 33907643 (cited by 4 submitters); PubMed 33527381 (cited by 3 submitters); PubMed 27657681 (cited by Genomenon, Inc); PubMed 31519519 (cited by Genomenon, Inc); PubMed 16595074 (cited by Labcorp Genetics (formerly Invitae), Labcorp and Dasa); PubMed 28646478 (cited by Labcorp Genetics (formerly Invitae), Labcorp and Dasa); PubMed 31996269 (cited by Labcorp Genetics (formerly Invitae), Labcorp and Dasa); PubMed 22773828 (cited by Labcorp Genetics (formerly Invitae), Labcorp and Women's Health and Genetics/Laboratory Corporation of America, LabCorp); PubMed 21517827 (cited by Labcorp Genetics (formerly Invitae), Labcorp); PubMed 23935525 (cited by Labcorp Genetics (formerly Invitae), Labcorp and Women's Health and Genetics/Laboratory Corporation of America, LabCorp); PubMed 20629180 (cited by Women's Health and Genetics/Laboratory Corporation of America, LabCorp); PubMed 31449323 (cited by Women's Health and Genetics/Laboratory Corporation of America, LabCorp); PubMed 17224688 (cited by Women's Health and Genetics/Laboratory Corporation of America, LabCorp); PubMed 31319156 (cited by Women's Health and Genetics/Laboratory Corporation of America, LabCorp).